The following is an entry in ClinVar:

ClinVar aggregate classification (germline): Uncertain significance (1 of 4 stars; one submission).

Submission:

GeneDx
Classification: Uncertain significance. Last evaluated: 2021-04-14. Review status: criteria provided, single submitter. Criteria: GeneDx Variant Classification Process June 2021. Collection method: clinical testing. Allele origin: germline. Affected: yes.
Comment: Not observed in large population cohorts (Lek et al., 2016); In silico analysis supports that this missense variant does not alter protein structure/function; Has not been previously published as pathogenic or benign to our knowledge

NM_000501.4(ELN):c.1862C>G (p.Ala621Gly)

Gene: ELN (elastin; plus strand). Cytogenetic location: 7q11.23.
Variant type: single nucleotide variant.
Coding change: c.1862C>G on transcript NM_000501.4 (MANE Select); coding-DNA position 1862, C replaced by G.
Protein change: p.Ala621Gly; replaces alanine 621 with glycine.
Molecular consequence: missense variant.
Genome position (GRCh38, 1-based): chr7:74,063,313, C>G. VCF-style: chr7-74063313-C-G. GRCh37 (hg19) VCF-style: chr7-73477643-C-G.
Other names: c.1775C>G, p.Ala592Gly (NM_001081752.3); c.1820C>G, p.Ala607Gly (NM_001081753.3); c.1877C>G, p.Ala626Gly (NM_001081754.3); c.1805C>G, p.Ala602Gly (NM_001081755.3); c.1862C>G, p.Ala621Gly (NM_001278912.2); c.1619C>G, p.Ala540Gly (NM_001278913.2); c.1790C>G, p.Ala597Gly (NM_001278914.2); c.1880C>G, p.Ala627Gly (NM_001278915.2); and 4 more; short protein forms A532G, A540G, A573G, A592G, A597G, A602G, A607G, A611G.
Identifiers: ClinVar variation 1314605 (VCV001314605.2), dbSNP rs1797109887, ClinGen allele CA367889678.